The following is an entry in ClinVar:

ClinVar aggregate classification (germline): Benign. Review status: criteria provided, multiple submitters, no conflicts (2 of 4 stars). 3 submissions from 3 submitters: Benign (2). 1 of the submissions does not count toward it. Last evaluated 2026-01-12.

Conditions:
FBN3-related disorder. Also called: FBN3-related condition.

Allele frequency attached by ClinVar (database versions not stated): gnomAD 0.00025 and 0.00037; gnomAD exomes 0.00025 and 0.00085; TOPMed 0.00043; ExAC 0.00111; 1000 Genomes Project 30x 0.00156; 1000 Genomes Project 0.00180.
gnomAD v4.1: 440 of 1,610,432 alleles (0.027%); highest among the groups gnomAD compares: East Asian, 0.88%; 4 homozygotes.

Submissions (3):

Labcorp Genetics (formerly Invitae), Labcorp
Classification: Benign. Last evaluated: 2026-01-12. Review status: criteria provided, single submitter. Criteria: Invitae Variant Classification Sherloc (09022015). Collection method: clinical testing. Allele origin: germline.

Breakthrough Genomics
Classification: Benign. Review status: criteria provided, single submitter. Criteria: ACMG Guidelines, 2015. Collection method: not provided. Allele origin: germline. Inheritance: Unknown mechanism. Affected: yes.

PreventionGenetics, part of Exact Sciences
Classification: Benign for FBN3-related condition. Last evaluated: 2019-08-26. Review status: no assertion criteria provided. Collection method: clinical testing. Allele origin: germline. Not counted in ClinVar's aggregate classification.
Comment: This variant is classified as benign based on ACMG/AMP sequence variant interpretation guidelines (Richards et al. 2015 PMID: 25741868, with internal and published modifications).

NM_032447.5(FBN3):c.2034G>A (p.Thr678=)

Gene: FBN3 (fibrillin 3; minus strand). Cytogenetic location: 19p13.2.
Variant type: single nucleotide variant.
Coding change: c.2034G>A on transcript NM_032447.5 (MANE Select); coding-DNA position 2034, G replaced by A.
Protein change: p.Thr678=; no amino-acid change (threonine 678 retained).
Molecular consequence: synonymous variant.
Genome position (GRCh38, 1-based): chr19:8,131,245, C>T on the plus strand (G>A on the coding strand, the complement: FBN3 is on the minus strand). VCF-style: chr19-8131245-C-T. GRCh37 (hg19) VCF-style: chr19-8196129-C-T.
Other names: c.2034G>A, p.Thr678= (NM_001321431.2); c.2034G>A (NM_001321431.1).
Identifiers: ClinVar variation 1540026 (VCV001540026.11), dbSNP rs117041172, ClinGen allele CA9153069.
Genomic context (GRCh38, chr19:8,131,245, plus strand): 5'-TCTGGTAGGGGCAGGCTGGCTGCTGTTTGGAGGGGCTGGGCTCCACTTACCTCGACCATC[C>T]GTGGTAATGCCAAGCCCACTGCTGCACAGTGCCTGGAACTCAGCTGGGGATGGAGGGACA-3'
Protein context (NP_115823.3, residues 668-688): ALCSSGLGIT[Thr678=]DGRDINECAL